The following is an entry in ClinVar:

ClinVar aggregate classification (germline): Likely pathogenic (1 of 4 stars; one submission).

Allele frequency attached by ClinVar (database versions not stated): gnomAD exomes below 0.00001.

Submission:

Labcorp Genetics (formerly Invitae), Labcorp
Classification: Likely pathogenic. Last evaluated: 2022-02-02. Review status: criteria provided, single submitter. Criteria: Invitae Variant Classification Sherloc (09022015). Collection method: clinical testing. Allele origin: germline.
Comment: This missense change has been observed in individual(s) with deafness (PMID: 30693673). This variant is not present in population databases (gnomAD no frequency). This sequence change replaces methionine, which is neutral and non-polar, with valine, which is neutral and non-polar, at codon 93 of the GJB2 protein (p.Met93Val). Advanced modeling of protein sequence and biophysical properties (such as structural, functional, and spatial information, amino acid conservation, physicochemical variation, residue mobility, and thermodynamic stability) performed at Invitae indicates that this missense variant is expected to disrupt GJB2 protein function. In summary, the currently available evidence indicates that the variant is pathogenic, but additional data are needed to prove that conclusively. Therefore, this variant has been classified as Likely Pathogenic. This variant disrupts the p.Met93 amino acid residue in GJB2. Other variant(s) that disrupt this residue have been determined to be pathogenic (PMID: 12172394, 14985372, 22592158). This suggests that this residue is clinically significant, and that variants that disrupt this residue are likely to be disease-causing.

Literature cited by the submitters: PubMed 30693673; PubMed 12172394; PubMed 14985372; PubMed 22592158.

NM_004004.6(GJB2):c.277A>G (p.Met93Val)

Gene: GJB2 (gap junction protein beta 2; minus strand). Cytogenetic location: 13q12.11.
Variant type: single nucleotide variant.
Coding change: c.277A>G on transcript NM_004004.6 (MANE Select); coding-DNA position 277, A replaced by G.
Protein change: p.Met93Val; replaces methionine 93 with valine.
Molecular consequence: missense variant.
Genome position (GRCh38, 1-based): chr13:20,189,305, T>C on the plus strand (A>G on the coding strand, the complement: GJB2 is on the minus strand). VCF-style: chr13-20189305-T-C. GRCh37 (hg19) VCF-style: chr13-20763444-T-C.
Other names: short protein forms M93V.
Identifiers: ClinVar variation 2169572 (VCV002169572.4), dbSNP rs2500251590, ClinGen allele CA387461491.